The following is an entry in ClinVar:

ClinVar aggregate classification (germline): Uncertain significance (1 of 4 stars; one submission).

Allele frequency attached by ClinVar (database versions not stated): gnomAD exomes below 0.00001; TOPMed below 0.00001.

Submission:

Labcorp Genetics (formerly Invitae), Labcorp
Classification: Uncertain significance. Last evaluated: 2023-08-10. Review status: criteria provided, single submitter. Criteria: Invitae Variant Classification Sherloc (09022015). Collection method: clinical testing. Allele origin: germline.
Comment: In summary, the available evidence is currently insufficient to determine the role of this variant in disease. Therefore, it has been classified as a Variant of Uncertain Significance. Advanced modeling of protein sequence and biophysical properties (such as structural, functional, and spatial information, amino acid conservation, physicochemical variation, residue mobility, and thermodynamic stability) performed at Invitae indicates that this missense variant is not expected to disrupt NEFH protein function. ClinVar contains an entry for this variant (Variation ID: 2109941). This variant has not been reported in the literature in individuals affected with NEFH-related conditions. This variant is not present in population databases (gnomAD no frequency). This sequence change replaces glutamic acid, which is acidic and polar, with lysine, which is basic and polar, at codon 170 of the NEFH protein (p.Glu170Lys).

NM_021076.4(NEFH):c.508G>A (p.Glu170Lys)

Gene: NEFH (neurofilament heavy chain; plus strand). Cytogenetic location: 22q12.2.
Variant type: single nucleotide variant.
Coding change: c.508G>A on transcript NM_021076.4 (MANE Select); coding-DNA position 508, G replaced by A.
Protein change: p.Glu170Lys; replaces glutamic acid 170 with lysine.
Molecular consequence: missense variant.
Genome position (GRCh38, 1-based): chr22:29,480,770, G>A. VCF-style: chr22-29480770-G-A. GRCh37 (hg19) VCF-style: chr22-29876759-G-A.
Other names: short protein forms E170K.
Identifiers: ClinVar variation 2109941 (VCV002109941.4), dbSNP rs2063000761, ClinGen allele CA411122995.